The following is an entry in ClinVar:

NM_000069.3(CACNA1S):c.1949-6G>A

Gene: CACNA1S (calcium voltage-gated channel subunit alpha1 S; minus strand). Cytogenetic location: 1q32.1.
Variant type: single nucleotide variant.
Coding change: c.1949-6G>A on transcript NM_000069.3 (MANE Select); 6 bases into the intron before coding-DNA position 1949, G replaced by A.
Molecular consequence: intron variant.
Genome position (GRCh38, 1-based): chr1:201,074,626, C>T on the plus strand (G>A on the coding strand, the complement: CACNA1S is on the minus strand). VCF-style: chr1-201074626-C-T. GRCh37 (hg19) VCF-style: chr1-201043754-C-T.
Identifiers: ClinVar variation 294749 (VCV000294749.22), dbSNP rs373698107, ClinGen allele CA078723.

ClinVar aggregate classification (germline): Benign/Likely benign. Review status: criteria provided, multiple submitters, no conflicts (2 of 4 stars). 10 submissions from 7 submitters: Benign (1); Likely benign (9). Last evaluated 2025-12-23.

Conditions:
Congenital myopathy 18. Also called: DIHYDROPYRIDINE RECEPTOR CONGENITAL MYOPATHY; DHPR CONGENITAL MYOPATHY; Myopathy, congenital, due to dihydropyridine receptor defect. Identifiers: MedGen C5830283, MONDO:0859514, OMIM 620246.
Hypokalemic periodic paralysis, type 1. Also called: Hypokalemic Periodic Paralysis Type 1 (AD); HypoPP. Identifiers: Orphanet 681, MedGen C3714580, MONDO:0042979, OMIM 170400.
Malignant hyperthermia, susceptibility to, 5 (MHS5). Also called: CACNA1S-Related Malignant Hyperthermia Susceptibility. Identifiers: Orphanet 423, MedGen C1866077, MONDO:0011163, OMIM 601887.
Thyrotoxic periodic paralysis, susceptibility to, 1 (TTPP1). Identifiers: Orphanet 79102, MedGen C2749982, MONDO:0008570, OMIM 188580.

Allele frequency attached by ClinVar (database versions not stated): gnomAD exomes 0.00004; ESP Exome Variant Server 0.00008; gnomAD 0.00009 and 0.00010; ExAC 0.00010; TOPMed 0.00012.
gnomAD v4.1: 36 of 1,590,552 alleles (0.0023%); highest among the groups gnomAD compares: African/African-American, 0.019%; no homozygotes.

Submissions (10):

Labcorp Genetics (formerly Invitae), Labcorp
Classification: Likely benign for Hypokalemic periodic paralysis, type 1; Malignant hyperthermia, susceptibility to, 5. Last evaluated: 2025-12-23. Review status: criteria provided, single submitter. Criteria: Invitae Variant Classification Sherloc (09022015). Collection method: clinical testing. Allele origin: germline.

All of Us Research Program, National Institutes of Health
Classification: Likely benign for Malignant hyperthermia, susceptibility to, 5. Last evaluated: 2023-12-18. Review status: criteria provided, single submitter. Criteria: ACMG Guidelines, 2015. Collection method: clinical testing. Allele origin: germline. Inheritance: Autosomal dominant inheritance. Observed: 9 variant alleles, 9 heterozygotes.
Comment: This study involves interpretation of variants in research participants for the purpose of population health screening. Participant phenotype was not available at the time of variant classification. Additional details can be found in publication PMID: 35346344, PMCID: PMC8962531

Genome-Nilou Lab
Classification: Likely benign for Malignant hyperthermia, susceptibility to, 5. Last evaluated: 2023-04-11. Review status: criteria provided, single submitter. Criteria: ACMG Guidelines, 2015. Collection method: clinical testing. Allele origin: germline. Affected: no.

Genome-Nilou Lab
Classification: Likely benign for Thyrotoxic periodic paralysis, susceptibility to, 1. Last evaluated: 2023-04-11. Review status: criteria provided, single submitter. Criteria: ACMG Guidelines, 2015. Collection method: clinical testing. Allele origin: germline. Affected: no.

Genome-Nilou Lab
Classification: Likely benign for Congenital myopathy 18. Last evaluated: 2023-04-11. Review status: criteria provided, single submitter. Criteria: ACMG Guidelines, 2015. Collection method: clinical testing. Allele origin: germline. Affected: no.

Genome-Nilou Lab
Classification: Likely benign for Hypokalemic periodic paralysis, type 1. Last evaluated: 2023-04-11. Review status: criteria provided, single submitter. Criteria: ACMG Guidelines, 2015. Collection method: clinical testing. Allele origin: germline. Affected: no.

Color Diagnostics, LLC DBA Color Health
Classification: Likely benign for Malignant hyperthermia, susceptibility to, 5. Last evaluated: 2023-01-20. Review status: criteria provided, single submitter. Criteria: ACMG Guidelines, 2015. Collection method: clinical testing. Allele origin: germline.

GeneDx
Classification: Likely benign. Last evaluated: 2021-01-04. Review status: criteria provided, single submitter. Criteria: GeneDx Variant Classification Process June 2021. Collection method: clinical testing. Allele origin: germline. Affected: yes.

Illumina Laboratory Services, Illumina
Classification: Benign for Hypokalemic periodic paralysis, type 1. Last evaluated: 2018-01-13. Review status: criteria provided, single submitter. Criteria: ICSL Variant Classification Criteria 13 December 2019. Collection method: clinical testing. Allele origin: germline.
Comment: This variant was observed in the ICSL laboratory as part of a predisposition screen in an ostensibly healthy population. It had not been previously curated by ICSL or reported in the Human Gene Mutation Database (HGMD: prior to June 1st, 2018), and was therefore a candidate for classification through an automated scoring system. Utilizing variant allele frequency, disease prevalence and penetrance estimates, and inheritance mode, an automated score was calculated to assess if this variant is too frequent to cause the disease. Based on the score and internal cut-off values, a variant classified as benign is not then subjected to further curation. The score for this variant resulted in a classification of benign for this disease.

Breakthrough Genomics
Classification: Likely benign. Review status: criteria provided, single submitter. Criteria: ACMG Guidelines, 2015. Collection method: not provided. Allele origin: germline. Inheritance: Autosomal dominant inheritance. Affected: yes.